The following is an entry in ClinVar:

ClinVar aggregate classification (germline): Pathogenic. Review status: criteria provided, multiple submitters, no conflicts (2 of 4 stars). 3 submissions from 3 submitters: Pathogenic (3). Last evaluated 2026-05-06.

Conditions:
Congenital adrenal hyperplasia due to cytochrome P450 oxidoreductase deficiency. Also called: DISORDERED STEROIDOGENESIS DUE TO POR DEFICIENCY. Identifiers: Orphanet 95699, MedGen C1860042, MONDO:0013310, OMIM 613571.
POR-related disorder. Also called: POR-related condition.

Allele frequency attached by ClinVar (database versions not stated): ExAC 0.00003.
gnomAD v4.1: 31 of 1,612,776 alleles (0.0019%); highest among the groups gnomAD compares: Non-Finnish European, 0.0025%; no homozygotes.

Submissions (3):

PreventionGenetics, part of Exact Sciences
Classification: Pathogenic for POR-related condition. Last evaluated: 2026-05-06. Review status: criteria provided, single submitter. Criteria: ACMG Guidelines, 2015. Collection method: clinical testing. Allele origin: germline.
Comment: The POR c.667C>T variant is predicted to result in premature protein termination (p.Arg223*). This variant has been reported in individuals with POR-related disorders (see for example, Krone et al. 2012. PubMed ID: 22162478; Lee et al. 2017. PubMed ID: 29215649). This variant is reported in 0.0024% of alleles in individuals of European (Non-Finnish) descent in gnomAD. Nonsense variants in POR are expected to be pathogenic. This variant is interpreted as pathogenic.

Labcorp Genetics (formerly Invitae), Labcorp
Classification: Pathogenic for Congenital adrenal hyperplasia due to cytochrome P450 oxidoreductase deficiency. Last evaluated: 2026-01-09. Review status: criteria provided, single submitter. Criteria: Invitae Variant Classification Sherloc (09022015). Collection method: clinical testing. Allele origin: germline.
Comment: This sequence change creates a premature translational stop signal (p.Arg223*) in the POR gene. It is expected to result in an absent or disrupted protein product. Loss-of-function variants in POR are known to be pathogenic (PMID: 14758361, 20732302, 21741353). This variant is present in population databases (rs782677940, gnomAD 0.002%). This premature translational stop signal has been observed in individual(s) with clinical features of POR deficiency (PMID: 21190981, 29215649). ClinVar contains an entry for this variant (Variation ID: 2735033). For these reasons, this variant has been classified as Pathogenic.

Dasa
Classification: Pathogenic. Last evaluated: 2024-07-16. Review status: criteria provided, single submitter. Criteria: DASA Assertion Criteria. Collection method: clinical testing. Allele origin: germline.
Comment: NM_001395413.1(POR):c.658C>T (p.Arg220*) introduces a premature termination codon predicted to result in loss of normal protein function. Loss-of-function is an established mechanism of disease for this gene. This variant has been recurrently observed in individuals with related phenotype (PMID: 21190981; PMID: 29215649). The variant is present at low frequency in population datasets. Based on the available data, this variant is classified as pathogenic.

Literature cited by the submitters: PubMed 14758361 (cited by Labcorp Genetics (formerly Invitae), Labcorp); PubMed 20732302 (cited by Labcorp Genetics (formerly Invitae), Labcorp); PubMed 21741353 (cited by Labcorp Genetics (formerly Invitae), Labcorp); PubMed 21190981 (cited by Labcorp Genetics (formerly Invitae), Labcorp and Dasa); PubMed 29215649 (cited by Labcorp Genetics (formerly Invitae), Labcorp and Dasa).

NM_001395413.1(POR):c.658C>T (p.Arg220Ter)

Gene: POR (cytochrome p450 oxidoreductase; plus strand). Cytogenetic location: 7q11.23.
Variant type: single nucleotide variant.
Coding change: c.658C>T on transcript NM_001395413.1 (MANE Select); coding-DNA position 658, C replaced by T.
Protein change: p.Arg220Ter; replaces arginine 220 with a stop codon.
Molecular consequence: nonsense.
Genome position (GRCh38, 1-based): chr7:75,981,542, C>T. VCF-style: chr7-75981542-C-T. GRCh37 (hg19) VCF-style: chr7-75610860-C-T.
Other names: c.667C>T, p.Arg223Ter (NM_000941.2, NM_000941.3); c.658C>T, p.Arg220Ter (NM_001367562.3, NM_001382657.2, NM_001382658.3 and 2 more transcripts); c.712C>T, p.Arg238Ter (NM_001382655.3); short protein forms R223*, R220*, R238*.
Identifiers: ClinVar variation 2735033 (VCV002735033.5), dbSNP rs782677940, ClinGen allele CA4303774.